The following is an entry in ClinVar:

ClinVar aggregate classification (germline): Conflicting classifications of pathogenicity. Review status: criteria provided, conflicting classifications (1 of 4 stars). 4 submissions from 2 submitters: Uncertain significance (2); Likely benign (2). Last evaluated 2026-01-21.

Conditions:
Glucocorticoid-remediable aldosteronism. Also called: Hyperaldosteronism, familial, type I; ACTH-DEPENDENT HYPERALDOSTERONISM SYNDROME; ALDOSTERONISM, SENSITIVE TO DEXAMETHASONE; FH I; GLUCOCORTICOID-SUPPRESSIBLE HYPERALDOSTERONISM. Identifiers: Orphanet 403, MedGen C3838731, MONDO:0007080, OMIM 103900.
Corticosterone 18-monooxygenase deficiency. Also called: ALDOSTERONE DEFICIENCY DUE TO DEFECT IN STEROID 18-HYDROXYLASE; ALDOSTERONE DEFICIENCY I; CMO I DEFICIENCY; STEROID 18-HYDROXYLASE DEFICIENCY; 18 Hydroxylase deficiency; Aldosterone deficiency due to defect in 18 hydroxylase. Identifiers: Orphanet 427, MedGen C0268293, MONDO:0008751, OMIM 203400. Disease mechanism: loss of function.
Corticosterone methyloxidase type 2 deficiency. Also called: 18-OXIDASE DEFICIENCY; ALDOSTERONE DEFICIENCY DUE TO DEFICIENCY OF STEROID 18-OXIDASE; ALDOSTERONE DEFICIENCY II; CMO II DEFICIENCY; STEROID 18-OXIDASE DEFICIENCY. Identifiers: Orphanet 427, MedGen C3463917, MONDO:0012524, OMIM 610600. Disease mechanism: loss of function.

Allele frequency attached by ClinVar (database versions not stated): gnomAD exomes 0.00002 and 0.00006; ExAC 0.00003; TOPMed 0.00004; gnomAD 0.00008; 1000 Genomes Project 0.00020; 1000 Genomes Project 30x 0.00031.

Submissions (4):

Labcorp Genetics (formerly Invitae), Labcorp
Classification: Likely benign. Last evaluated: 2026-01-21. Review status: criteria provided, single submitter. Criteria: Invitae Variant Classification Sherloc (09022015). Collection method: clinical testing. Allele origin: germline.

Illumina Laboratory Services, Illumina
Classification: Likely benign for Hyperaldosteronism, familial, type I. Last evaluated: 2018-01-12. Review status: criteria provided, single submitter. Criteria: ICSL Variant Classification Criteria 13 December 2019. Collection method: clinical testing. Allele origin: germline.
Comment: This variant was observed in the ICSL laboratory as part of a predisposition screen in an ostensibly healthy population. It had not been previously curated by ICSL or reported in the Human Gene Mutation Database (HGMD: prior to June 1st, 2018), and was therefore a candidate for classification through an automated scoring system. Utilizing variant allele frequency, disease prevalence and penetrance estimates, and inheritance mode, an automated score was calculated to assess if this variant is too frequent to cause the disease. Based on the score and internal cut-off values, a variant classified as likely benign is not then subjected to further curation. The score for this variant resulted in a classification of likely benign for this disease.

Illumina Laboratory Services, Illumina
Classification: Uncertain significance for Corticosterone methyloxidase type 2 deficiency. Last evaluated: 2018-01-12. Review status: criteria provided, single submitter. Criteria: ICSL Variant Classification Criteria 13 December 2019. Collection method: clinical testing. Allele origin: germline.

Illumina Laboratory Services, Illumina
Classification: Uncertain significance for Corticosterone 18-monooxygenase deficiency. Last evaluated: 2018-01-12. Review status: criteria provided, single submitter. Criteria: ICSL Variant Classification Criteria 13 December 2019. Collection method: clinical testing. Allele origin: germline.

NM_000498.3(CYP11B2):c.424T>C (p.Leu142=)

Genes: CYP11B2 (cytochrome P450 family 11 subfamily B member 2; minus strand), LOC106799834 (CYP11B2 recombination region; plus strand). Cytogenetic location: 8q24.3.
Variant type: single nucleotide variant.
Coding change: c.424T>C on transcript NM_000498.3 (MANE Select); coding-DNA position 424, T replaced by C.
Protein change: p.Leu142=; no amino-acid change (leucine 142 retained).
Molecular consequence: synonymous variant.
Genome position (GRCh38, 1-based): chr8:142,915,217, A>G on the plus strand (T>C on the coding strand, the complement: CYP11B2 is on the minus strand). VCF-style: chr8-142915217-A-G. GRCh37 (hg19) VCF-style: chr8-143996633-A-G.
Identifiers: ClinVar variation 362224 (VCV000362224.13), dbSNP rs199988205, ClinGen allele CA4906210.